The following is an entry in ClinVar:

ClinVar aggregate classification (germline): Uncertain significance (1 of 4 stars; one submission).

Submission:

GeneDx
Classification: Uncertain significance. Last evaluated: 2026-03-12. Review status: criteria provided, single submitter. Criteria: GeneDx Variant Classification Process June 2021. Collection method: clinical testing. Allele origin: germline.
Comment: Not observed at significant frequency in large population cohorts (gnomAD); In silico analysis suggests that this missense variant does not alter protein structure/function; Has not been previously published as pathogenic or benign to our knowledge

NM_003482.4(KMT2D):c.5420A>G (p.Lys1807Arg)

Gene: KMT2D (lysine methyltransferase 2D; minus strand). Cytogenetic location: 12q13.12.
Variant type: single nucleotide variant.
Coding change: c.5420A>G on transcript NM_003482.4 (MANE Select); coding-DNA position 5420, A replaced by G.
Protein change: p.Lys1807Arg; replaces lysine 1807 with arginine.
Molecular consequence: missense variant.
Genome position (GRCh38, 1-based): chr12:49,043,682, T>C on the plus strand (A>G on the coding strand, the complement: KMT2D is on the minus strand). VCF-style: chr12-49043682-T-C. GRCh37 (hg19) VCF-style: chr12-49437465-T-C.
Other names: short protein forms K1807R.
Identifiers: ClinVar variation 5009088 (VCV005009088.1).